The following is an entry in ClinVar:

NM_018975.4(TERF2IP):c.181G>A (p.Ala61Thr)

Gene: TERF2IP (TERF2 interacting protein; plus strand). Cytogenetic location: 16q23.1.
Variant type: single nucleotide variant.
Coding change: c.181G>A on transcript NM_018975.4 (MANE Select); coding-DNA position 181, G replaced by A.
Protein change: p.Ala61Thr; replaces alanine 61 with threonine.
Molecular consequence: missense variant. On other transcripts: non-coding transcript variant (1).
Genome position (GRCh38, 1-based): chr16:75,648,063, G>A. VCF-style: chr16-75648063-G-A. GRCh37 (hg19) VCF-style: chr16-75681961-G-A.
Other names: short protein forms A61T.
Identifiers: ClinVar variation 2597084 (VCV002597084.5), dbSNP rs369903116, ClinGen allele CA8177951.

ClinVar aggregate classification (germline): Uncertain significance. Review status: criteria provided, multiple submitters, no conflicts (2 of 4 stars). 2 submissions from 2 submitters: Uncertain significance (2). Last evaluated 2025-08-19.

Allele frequency attached by ClinVar (database versions not stated): gnomAD 0.00005; TOPMed 0.00005; 1000 Genomes Project 30x 0.00016; ESP Exome Variant Server 0.00016; 1000 Genomes Project 0.00020.
gnomAD v4.1: 14 of 1,591,798 alleles (0.00088%); highest among the groups gnomAD compares: African/African-American, 0.016%; no homozygotes.

Submissions (2):

Ambry Genetics
Classification: Uncertain significance. Last evaluated: 2025-08-19. Review status: criteria provided, single submitter. Criteria: Ambry Variant Classification Scheme 2023. Collection method: clinical testing. Allele origin: germline.

Labcorp Genetics (formerly Invitae), Labcorp
Classification: Uncertain significance. Last evaluated: 2024-05-07. Review status: criteria provided, single submitter. Criteria: Invitae Variant Classification Sherloc (09022015). Collection method: clinical testing. Allele origin: germline.
Comment: This sequence change replaces alanine, which is neutral and non-polar, with threonine, which is neutral and polar, at codon 61 of the TERF2IP protein (p.Ala61Thr). This variant is present in population databases (rs369903116, gnomAD 0.02%). This variant has not been reported in the literature in individuals affected with TERF2IP-related conditions. ClinVar contains an entry for this variant (Variation ID: 2597084). An algorithm developed to predict the effect of missense changes on protein structure and function (PolyPhen-2) suggests that this variant is likely to be disruptive. In summary, the available evidence is currently insufficient to determine the role of this variant in disease. Therefore, it has been classified as a Variant of Uncertain Significance.